The following is an entry in ClinVar:

ClinVar aggregate classification (germline): Pathogenic (1 of 4 stars; one submission).

Submission:

GeneDx
Classification: Pathogenic. Last evaluated: 2023-09-26. Review status: criteria provided, single submitter. Criteria: GeneDx Variant Classification Process June 2021. Collection method: clinical testing. Allele origin: germline. Affected: yes.
Comment: Nonsense variant predicted to result in protein truncation or nonsense mediated decay in a gene for which loss of function is a known mechanism of disease; Not observed at significant frequency in large population cohorts (gnomAD); Has not been previously published as pathogenic or benign to our knowledge

NM_017780.4(CHD7):c.760C>T (p.Gln254Ter)

Gene: CHD7 (chromodomain helicase DNA binding protein 7; plus strand). Cytogenetic location: 8q12.2.
Variant type: single nucleotide variant.
Coding change: c.760C>T on transcript NM_017780.4 (MANE Select); coding-DNA position 760, C replaced by T.
Protein change: p.Gln254Ter; replaces glutamine 254 with a stop codon.
Molecular consequence: nonsense.
Genome position (GRCh38, 1-based): chr8:60,742,192, C>T. VCF-style: chr8-60742192-C-T. GRCh37 (hg19) VCF-style: chr8-61654751-C-T.
Other names: c.760C>T (LRG_176t1); c.760C>T, p.Gln254Ter (NM_001316690.1); short protein forms Q254*.
Identifiers: ClinVar variation 450263 (VCV000450263.4), dbSNP rs1554581354, ClinGen allele CA371299227.